The following is an entry in ClinVar:

ClinVar aggregate classification (germline): Pathogenic (1 of 4 stars; one submission).

Conditions:
Jeune thoracic dystrophy. Also called: Short-rib thoracic dysplasia; Jeune syndrome; Infantile thoracic dystrophy; Thoracic pelvic phalangeal dystrophy; Jeune's syndrome; Chondroectodermal dysplasia-like syndrome. Identifiers: Orphanet 474, MedGen C0265275, MONDO:0018770.
Nephronophthisis. Also called: Juvenile Nephronophthisis. Identifiers: Orphanet 655, MedGen C0687120, MONDO:0019005, HP:0000090.

Submission:

Labcorp Genetics (formerly Invitae), Labcorp
Classification: Pathogenic for Jeune thoracic dystrophy; Nephronophthisis. Last evaluated: 2022-11-26. Review status: criteria provided, single submitter. Criteria: Invitae Variant Classification Sherloc (09022015). Collection method: clinical testing. Allele origin: germline.
Comment: This sequence change creates a premature translational stop signal (p.Thr154Glnfs*12) in the TTC21B gene. It is expected to result in an absent or disrupted protein product. Loss-of-function variants in TTC21B are known to be pathogenic (PMID: 18327258, 21068128, 21258341, 23559409, 24876116, 25492405, 27491411, 29068549). The frequency data for this variant in the population databases is considered unreliable, as metrics indicate poor data quality at this position in the gnomAD database. For these reasons, this variant has been classified as Pathogenic. This variant has not been reported in the literature in individuals affected with TTC21B-related conditions.

Literature cited by the submitters: PubMed 18327258; PubMed 21068128; PubMed 21258341; PubMed 23559409; PubMed 24876116; PubMed 25492405; PubMed 27491411; PubMed 29068549.

NM_024753.5(TTC21B):c.459del (p.Thr154fs)

Genes: TTC21B (tetratricopeptide repeat domain 21B; minus strand), TTC21B-AS1 (TTC21B antisense RNA 1; plus strand). Cytogenetic location: 2q24.3.
Variant type: Deletion.
Coding change: c.459del on transcript NM_024753.5 (MANE Select); coding-DNA position 459, one base deleted (T; older notation c.459delT).
Protein change: p.Thr154fs; shifts the reading frame from threonine 154.
Molecular consequence: frameshift variant.
Genome position (GRCh38, 1-based): chr2:165,943,312, A deleted on the plus strand (T on the coding strand, the reverse complement: TTC21B is on the minus strand); the first of 2 consecutive A bases (chr2:165,943,312-165,943,313); deleting either gives the same sequence. VCF-style (leftmost placement, unchanged base first): chr2-165943311-TA-T. GRCh37 (hg19) VCF-style: chr2-166799821-TA-T.
Other names: short protein forms T154fs.
Identifiers: ClinVar variation 2941868 (VCV002941868.3), dbSNP rs1559075003, ClinGen allele CA537158074.